The following is an entry in ClinVar:

NM_000814.6(GABRB3):c.917T>C (p.Ile306Thr)

Gene: GABRB3 (gamma-aminobutyric acid type A receptor subunit beta3; minus strand). Cytogenetic location: 15q12.
Variant type: single nucleotide variant.
Coding change: c.917T>C on transcript NM_000814.6 (MANE Select); coding-DNA position 917, T replaced by C.
Protein change: p.Ile306Thr; replaces isoleucine 306 with threonine.
Molecular consequence: missense variant.
Genome position (GRCh38, 1-based): chr15:26,561,095, A>G on the plus strand (T>C on the coding strand, the complement: GABRB3 is on the minus strand). VCF-style: chr15-26561095-A-G. GRCh37 (hg19) VCF-style: chr15-26806242-A-G.
Other names: c.662T>C, p.Ile221Thr (NM_001191320.2, NM_001278631.2); c.704T>C, p.Ile235Thr (NM_001191321.3); c.917T>C, p.Ile306Thr (NM_021912.5); short protein forms I235T, I306T, I221T.
Identifiers: ClinVar variation 945555 (VCV000945555.9), dbSNP rs1889965425, ClinGen allele CA391462095.

ClinVar aggregate classification (germline): Likely pathogenic (1 of 4 stars; one submission).

Conditions:
Epilepsy, childhood absence, susceptibility to, 1. Also called: Epilepsy, childhood absence 1. Identifiers: Orphanet 64280, MedGen C1838604, MONDO:0020759, OMIM 600131.
Epilepsy, childhood absence, susceptibility to, 5. Identifiers: Orphanet 64280, MedGen C2677087, MONDO:0012843, OMIM 612269.

Submission:

Labcorp Genetics (formerly Invitae), Labcorp
Classification: Likely pathogenic for Epilepsy, childhood absence, susceptibility to, 5; Epilepsy, childhood absence, susceptibility to, 1. Last evaluated: 2019-06-10. Review status: criteria provided, single submitter. Criteria: Invitae Variant Classification Sherloc (09022015). Collection method: clinical testing. Allele origin: germline.
Comment: This variant has been observed de novo individuals with GABRB3-related seizures (PMID: 25533962, Invitae). This variant is not present in population databases (ExAC no frequency). This sequence change replaces isoleucine with threonine at codon 306 of the GABRB3 protein (p.Ile306Thr). The isoleucine residue is highly conserved and there is a moderate physicochemical difference between isoleucine and threonine. Algorithms developed to predict the effect of missense changes on protein structure and function are either unavailable or do not agree on the potential impact of this missense change (SIFT: "Deleterious"; PolyPhen-2: "Probably Damaging"; Align-GVGD: "Class C0"). In summary, the currently available evidence indicates that the variant is pathogenic, but additional data are needed to prove that conclusively. Therefore, this variant has been classified as Likely Pathogenic.

Literature cited by the submitters: PubMed 25533962.